The following is an entry in ClinVar:

NM_019098.5(CNGB3):c.2085del (p.Lys695fs)

Gene: CNGB3 (cyclic nucleotide gated channel subunit beta 3; minus strand). Cytogenetic location: 8q21.3.
Variant type: Deletion.
Coding change: c.2085del on transcript NM_019098.5 (MANE Select); coding-DNA position 2085, one base deleted (G; older notation c.2085delG).
Protein change: p.Lys695fs; shifts the reading frame from lysine 695.
Molecular consequence: frameshift variant.
Genome position (GRCh38, 1-based): chr8:86,578,707, C deleted on the plus strand (G on the coding strand, the reverse complement: CNGB3 is on the minus strand). VCF-style (leftmost placement, unchanged base first): chr8-86578706-GC-G. GRCh37 (hg19) VCF-style: chr8-87590934-GC-G.
Other names: c.2085delG (NM_019098.4); short protein forms K695fs.
Identifiers: ClinVar variation 666061 (VCV000666061.12), dbSNP rs1585942791, ClinGen allele CA915945752.
Genomic context (GRCh38, chr8:86,578,706, plus strand): 5'-GGGCCTTCTCCATGACAGCCGTCCATTCACTCCACCTTATTACCTGAGCTGCTTGCTCTC[GC>G]TTCAATTTGAGTAGTCTTGCAAGACTTGCTTTTCCTGTGCCTCCTAGGAGAGTTTTAAAC-3'

ClinVar aggregate classification (germline): Likely pathogenic. Review status: criteria provided, multiple submitters, no conflicts (2 of 4 stars). 2 submissions from 2 submitters: Likely pathogenic (2). Last evaluated 2021-08-31.

Conditions:
Achromatopsia 3 (ACHM3). Also called: TOTAL COLORBLINDNESS WITH MYOPIA; ROD MONOCHROMACY 1; ROD MONOCHROMATISM 1; PINGELAPESE BLINDNESS; ACHROMATOPSIA WITH MYOPIA. Identifiers: Orphanet 49382, MedGen C1849792, MONDO:0009875, OMIM 262300.

Submissions (2):

Revvity Omics, Revvity
Classification: Likely pathogenic for Achromatopsia 3. Last evaluated: 2021-08-31. Review status: criteria provided, single submitter. Criteria: ACMG Guidelines, 2015. Collection method: clinical testing. Allele origin: germline.

Labcorp Genetics (formerly Invitae), Labcorp
Classification: Likely pathogenic. Last evaluated: 2020-06-06. Review status: criteria provided, single submitter. Criteria: Invitae Variant Classification Sherloc (09022015). Collection method: clinical testing. Allele origin: germline.
Comment: This sequence change results in a premature translational stop signal in the CNGB3 gene (p.Lys695Asnfs*134). While this is not anticipated to result in nonsense mediated decay, it is expected to disrupt the last 115 amino acids of the CNGB3 protein. This variant is not present in population databases (ExAC no frequency). This variant has not been reported in the literature in individuals with CNGB3-related disease. Experimental studies and prediction algorithms are not available for this variant, and the functional significance of the affected amino acid(s) is currently unknown. This variant results in an extension of the CNGB3 protein. Other variant(s) that result in a similarly extended protein product (p.Asp741Ilefs*88, p.Arg777Glufs*52, p.Ser787Alafs*42) have been observed in affected individuals with achromatopsia (PMID: 25616768, 28795510). This suggests that these extensions may be clinically significant. In summary, the currently available evidence indicates that the variant is pathogenic, but additional data are needed to prove that conclusively. Therefore, this variant has been classified as Likely Pathogenic.

Literature cited by the submitters: PubMed 25616768 (cited by Labcorp Genetics (formerly Invitae), Labcorp); PubMed 28795510 (cited by Labcorp Genetics (formerly Invitae), Labcorp).